The following is an entry in ClinVar:

ClinVar aggregate classification (germline): Uncertain significance (1 of 4 stars; one submission).

Conditions:
Glycogen storage disease IXd (GSD9D). Also called: Muscle Phosphorylase Kinase Deficiency; GSD IXd. Identifiers: Orphanet 715, MedGen C1845151, MONDO:0010362, OMIM 300559.

Allele frequency attached by ClinVar (database versions not stated): gnomAD exomes 0.00001.
gnomAD v4.1: 11 of 1,210,805 alleles (0.00091%); highest among the groups gnomAD compares: Non-Finnish European, 0.00089%; no homozygotes.

Submission:

Labcorp Genetics (formerly Invitae), Labcorp
Classification: Uncertain significance for Glycogen storage disease IXd. Last evaluated: 2024-01-16. Review status: criteria provided, single submitter. Criteria: Invitae Variant Classification Sherloc (09022015). Collection method: clinical testing. Allele origin: germline.
Comment: This sequence change replaces aspartic acid, which is acidic and polar, with histidine, which is basic and polar, at codon 649 of the PHKA1 protein (p.Asp649His). This variant is present in population databases (no rsID available, gnomAD 0.001%). This variant has not been reported in the literature in individuals affected with PHKA1-related conditions. Advanced modeling of protein sequence and biophysical properties (such as structural, functional, and spatial information, amino acid conservation, physicochemical variation, residue mobility, and thermodynamic stability) performed at Invitae indicates that this missense variant is not expected to disrupt PHKA1 protein function with a negative predictive value of 80%. In summary, the available evidence is currently insufficient to determine the role of this variant in disease. Therefore, it has been classified as a Variant of Uncertain Significance.

NM_002637.4(PHKA1):c.1945G>C (p.Asp649His)

Gene: PHKA1 (phosphorylase kinase regulatory subunit alpha 1; minus strand). Cytogenetic location: Xq13.1.
Variant type: single nucleotide variant.
Coding change: c.1945G>C on transcript NM_002637.4 (MANE Select); coding-DNA position 1945, G replaced by C.
Protein change: p.Asp649His; replaces aspartic acid 649 with histidine.
Molecular consequence: missense variant.
Genome position (GRCh38, 1-based): chrX:72,623,124, C>G on the plus strand (G>C on the coding strand, the complement: PHKA1 is on the minus strand). VCF-style: chrX-72623124-C-G. GRCh37 (hg19) VCF-style: chrX-71842974-C-G.
Other names: c.1945G>C, p.Asp649His (NM_001122670.2, NM_001172436.2); short protein forms D649H.
Identifiers: ClinVar variation 2958694 (VCV002958694.3), dbSNP rs1556279917, ClinGen allele CA413591313.
Genomic context (GRCh38, chrX:72,623,124, plus strand): 5'-TGTAGTTTTGTCCAGCCAGGCCAGTGCTTTATGAAGCCTCCTTACCATGACTGGTTGAAT[C>G]ATAATCATTCATCCAGTTGCCAGATTCCAGGTAATCATAGTTGTCATCATAATCTTCACT-3'
Protein context (NP_002628.2, residues 639-659): LESGNWMNDY[Asp649His]STSHARCGDE